The following is an entry in ClinVar:

NM_198880.3(QRICH1):c.1005A>T (p.Glu335Asp)

Gene: QRICH1 (glutamine rich 1; minus strand). Cytogenetic location: 3p21.31.
Variant type: single nucleotide variant.
Coding change: c.1005A>T on transcript NM_198880.3 (MANE Select); coding-DNA position 1005, A replaced by T.
Protein change: p.Glu335Asp; replaces glutamic acid 335 with aspartic acid.
Molecular consequence: missense variant.
Genome position (GRCh38, 1-based): chr3:49,057,195, T>A on the plus strand (A>T on the coding strand, the complement: QRICH1 is on the minus strand). VCF-style: chr3-49057195-T-A. GRCh37 (hg19) VCF-style: chr3-49094628-T-A.
Other names: c.1005A>T, p.Glu335Asp (NM_001320580.2, NM_001320581.2, NM_001320582.2 and 4 more transcripts); short protein forms E335D.
Identifiers: ClinVar variation 3660660 (VCV003660660.2).

ClinVar aggregate classification (germline): Uncertain significance (1 of 4 stars; one submission).

Submission:

Labcorp Genetics (formerly Invitae), Labcorp
Classification: Uncertain significance. Last evaluated: 2024-08-09. Review status: criteria provided, single submitter. Criteria: Invitae Variant Classification Sherloc (09022015). Collection method: clinical testing. Allele origin: germline.
Comment: This sequence change replaces glutamic acid, which is acidic and polar, with aspartic acid, which is acidic and polar, at codon 335 of the QRICH1 protein (p.Glu335Asp). This variant is not present in population databases (gnomAD no frequency). This variant has not been reported in the literature in individuals affected with QRICH1-related conditions. An algorithm developed to predict the effect of missense changes on protein structure and function (PolyPhen-2) suggests that this variant is likely to be tolerated. In summary, the available evidence is currently insufficient to determine the role of this variant in disease. Therefore, it has been classified as a Variant of Uncertain Significance.